The following is an entry in ClinVar:

ClinVar aggregate classification (germline): Uncertain significance. Review status: criteria provided, multiple submitters, no conflicts (2 of 4 stars). 2 submissions from 2 submitters: Uncertain significance (2). Last evaluated 2022-06-17.

Submissions (2):

Labcorp Genetics (formerly Invitae), Labcorp
Classification: Uncertain significance. Last evaluated: 2022-06-17. Review status: criteria provided, single submitter. Criteria: Invitae Variant Classification Sherloc (09022015). Collection method: clinical testing. Allele origin: germline.
Comment: In summary, the available evidence is currently insufficient to determine the role of this variant in disease. Therefore, it has been classified as a Variant of Uncertain Significance. Algorithms developed to predict the effect of missense changes on protein structure and function (SIFT, PolyPhen-2, Align-GVGD) all suggest that this variant is likely to be disruptive. ClinVar contains an entry for this variant (Variation ID: 287873). This variant has not been reported in the literature in individuals affected with CUL7-related conditions. This variant is present in population databases (rs761386869, gnomAD 0.05%). This sequence change replaces arginine, which is basic and polar, with leucine, which is neutral and non-polar, at codon 962 of the CUL7 protein (p.Arg962Leu).

Eurofins Ntd Llc (ga)
Classification: Uncertain significance. Last evaluated: 2016-06-03. Review status: criteria provided, single submitter. Criteria: EGL Classification Definitions 2015. Collection method: clinical testing. Allele origin: germline. Observed: 1 variant allele, 1 heterozygote.

NM_014780.5(CUL7):c.2885G>T (p.Arg962Leu)

Gene: CUL7 (cullin 7; minus strand). Cytogenetic location: 6p21.1.
Variant type: single nucleotide variant.
Coding change: c.2885G>T on transcript NM_014780.5 (MANE Select); coding-DNA position 2885, G replaced by T.
Protein change: p.Arg962Leu; replaces arginine 962 with leucine.
Molecular consequence: missense variant.
Genome position (GRCh38, 1-based): chr6:43,045,380, C>A on the plus strand (G>T on the coding strand, the complement: CUL7 is on the minus strand). VCF-style: chr6-43045380-C-A. GRCh37 (hg19) VCF-style: chr6-43013118-C-A.
Other names: c.2981G>T, p.Arg994Leu (NM_001168370.2, NM_001374872.1); c.2885G>T, p.Arg962Leu (NM_001374873.1, NM_001374874.1); short protein forms R962L, R994L.
Identifiers: ClinVar variation 287873 (VCV000287873.9), dbSNP rs761386869, ClinGen allele CA3813650.